The following is an entry in ClinVar:

NM_020937.4(FANCM):c.2987A>G (p.Tyr996Cys)

Gene: FANCM (FA complementation group M; plus strand). Cytogenetic location: 14q21.2.
Variant type: single nucleotide variant.
Coding change: c.2987A>G on transcript NM_020937.4 (MANE Select); coding-DNA position 2987, A replaced by G.
Protein change: p.Tyr996Cys; replaces tyrosine 996 with cysteine.
Molecular consequence: missense variant.
Genome position (GRCh38, 1-based): chr14:45,175,741, A>G. VCF-style: chr14-45175741-A-G. GRCh37 (hg19) VCF-style: chr14-45644944-A-G.
Other names: c.2909A>G, p.Tyr970Cys (NM_001308133.2); short protein forms Y970C, Y996C.
Identifiers: ClinVar variation 3848803 (VCV003848803.1).

ClinVar aggregate classification (germline): Uncertain significance (1 of 4 stars; one submission).

Conditions:
Inborn genetic diseases. Identifiers: MedGen C0950123, MeSH D030342.

Submission:

Ambry Genetics
Classification: Uncertain significance for Inborn genetic diseases. Last evaluated: 2025-03-08. Review status: criteria provided, single submitter. Criteria: Ambry Variant Classification Scheme 2023. Collection method: clinical testing. Allele origin: germline.
Comment: The p.Y996C variant (also known as c.2987A>G), located in coding exon 14 of the FANCM gene, results from an A to G substitution at nucleotide position 2987. The tyrosine at codon 996 is replaced by cysteine, an amino acid with highly dissimilar properties. This amino acid position is conserved. In addition, this alteration is predicted to be tolerated by in silico analysis. Based on the available evidence, the clinical significance of this variant remains unclear.